The following is an entry in ClinVar:

NM_000925.4(PDHB):c.478_479del (p.Gln160fs)

Gene: PDHB (pyruvate dehydrogenase E1 subunit beta; minus strand). Cytogenetic location: 3p14.3.
Variant type: Microsatellite.
Coding change: c.478_479del on transcript NM_000925.4 (MANE Select); coding-DNA positions 478 to 479, 2 bases deleted (CA; older notation c.478_479delCA).
Protein change: p.Gln160fs; shifts the reading frame from glutamine 160.
Molecular consequence: frameshift variant. On other transcripts: non-coding transcript variant (1).
Genome position (GRCh38, 1-based): chr3:58,430,767-58,430,768, TG deleted on the plus strand (CA on the coding strand, the reverse complement: PDHB is on the minus strand); deleting any 2 consecutive bases within chr3:58,430,767-58,430,770 gives the same sequence; the c. name uses the placement nearest the transcript's 3' end. VCF-style (leftmost placement, unchanged base first): chr3-58430766-CTG-C. GRCh37 (hg19) VCF-style: chr3-58416493-CTG-C.
Other names: c.424_425del, p.Gln142fs (NM_001173468.2, NM_001315536.2); short protein forms Q142fs, Q160fs.
Identifiers: ClinVar variation 2961156 (VCV002961156.3), dbSNP rs2471367755, ClinGen allele CA2666297989.
Genomic context (GRCh38, chr3:58,430,766, plus strand): 5'-TGAATTCCAGGGACTGACCACCTTTAAGCCTGGGCAGTGCCCATACCAGGCAGCAAAGCA[CTG>C]TGAGTGCTGGGCAGCTACACCTGCTGAGGCACCATTGGGCCCTCTGAAGACTATAGGCAC-3'

ClinVar aggregate classification (germline): Pathogenic (1 of 4 stars; one submission).

Conditions:
Pyruvate dehydrogenase E1-beta deficiency (PDHBD). Identifiers: Orphanet 255138, Orphanet 765, MedGen C3279841, MONDO:0013580, OMIM 614111.

Submission:

Labcorp Genetics (formerly Invitae), Labcorp
Classification: Pathogenic for Pyruvate dehydrogenase E1-beta deficiency. Last evaluated: 2023-09-04. Review status: criteria provided, single submitter. Criteria: Invitae Variant Classification Sherloc (09022015). Collection method: clinical testing. Allele origin: germline.
Comment: For these reasons, this variant has been classified as Pathogenic. This variant has not been reported in the literature in individuals affected with PDHB-related conditions. This variant is not present in population databases (gnomAD no frequency). This sequence change creates a premature translational stop signal (p.Gln160Valfs*24) in the PDHB gene. It is expected to result in an absent or disrupted protein product. Loss-of-function variants in PDHB are known to be pathogenic (PMID: 21914562, 25356417).

Literature cited by the submitters: PubMed 21914562; PubMed 25356417.